The following is an entry in ClinVar:

ClinVar aggregate classification (germline): Uncertain significance (1 of 4 stars; one submission).

gnomAD v4.1: 1 of 1,614,172 alleles (0.000062%); highest among the groups gnomAD compares: Non-Finnish European, 0.000085%; no homozygotes.

Submission:

Ambry Genetics
Classification: Uncertain significance. Last evaluated: 2026-06-14. Review status: criteria provided, single submitter. Criteria: Ambry Variant Classification Scheme 2023. Collection method: clinical testing. Allele origin: germline.
Comment: The p.N481T variant (also known as c.1442A>C), located in coding exon 8 of the RNF43 gene, results from an A to C substitution at nucleotide position 1442. The asparagine at codon 481 is replaced by threonine, an amino acid with similar properties. This amino acid position is conserved. In addition, this alteration is predicted to be tolerated by in silico analysis. Based on the available evidence, the clinical significance of this variant remains unclear.

NM_017763.6(RNF43):c.1442A>C (p.Asn481Thr)

Gene: RNF43 (ring finger protein 43; minus strand). Cytogenetic location: 17q22.
Variant type: single nucleotide variant.
Coding change: c.1442A>C on transcript NM_017763.6 (MANE Select); coding-DNA position 1442, A replaced by C.
Protein change: p.Asn481Thr; replaces asparagine 481 with threonine.
Molecular consequence: missense variant.
Genome position (GRCh38, 1-based): chr17:58,358,334, T>G on the plus strand (A>C on the coding strand, the complement: RNF43 is on the minus strand). VCF-style: chr17-58358334-T-G. GRCh37 (hg19) VCF-style: chr17-56435695-T-G.
Other names: c.1442A>C, p.Asn481Thr (NM_001305544.3, NM_001438820.1, NM_001438821.1 and 1 more transcripts); c.1061A>C, p.Asn354Thr (NM_001305545.2, NM_001437987.1); short protein forms N354T, N481T.
Identifiers: ClinVar variation 4863441 (VCV004863441.1).